The following is an entry in ClinVar:

ClinVar aggregate classification (germline): Uncertain significance. Review status: criteria provided, multiple submitters, no conflicts (2 of 4 stars). 3 submissions from 3 submitters: Uncertain significance (3). Last evaluated 2024-05-20.

Conditions:
Inborn genetic diseases. Identifiers: MedGen C0950123, MeSH D030342.
Leukocyte adhesion deficiency 1 (LAD1). Also called: LAD 1; Lymphocyte function-associated antigen 1 immunodeficiency; LFA 1 immunodeficiency; LEUKOCYTE ADHESION DEFICIENCY, TYPE I. Identifiers: Orphanet 2968, Orphanet 99842, MedGen C0398738, MONDO:0007293, OMIM 116920.

Allele frequency attached by ClinVar (database versions not stated): ExAC 0.00005; gnomAD 0.00005; TOPMed 0.00007.
gnomAD v4.1: 115 of 1,613,850 alleles (0.0071%); highest among the groups gnomAD compares: Middle Eastern, 0.033%; no homozygotes.

Submissions (3):

Ambry Genetics
Classification: Uncertain significance for Inborn genetic diseases. Last evaluated: 2024-05-20. Review status: criteria provided, single submitter. Criteria: Ambry Variant Classification Scheme 2023. Collection method: clinical testing. Allele origin: germline.

Labcorp Genetics (formerly Invitae), Labcorp
Classification: Uncertain significance for Leukocyte adhesion deficiency 1. Last evaluated: 2022-03-03. Review status: criteria provided, single submitter. Criteria: Invitae Variant Classification Sherloc (09022015). Collection method: clinical testing. Allele origin: germline.
Comment: This sequence change replaces proline, which is neutral and non-polar, with leucine, which is neutral and non-polar, at codon 247 of the ITGB2 protein (p.Pro247Leu). This variant is present in population databases (rs772666841, gnomAD 0.03%). This variant has not been reported in the literature in individuals affected with ITGB2-related conditions. ClinVar contains an entry for this variant (Variation ID: 840241). Algorithms developed to predict the effect of missense changes on protein structure and function output the following: SIFT: "Tolerated"; PolyPhen-2: "Benign"; Align-GVGD: "Class C0". The leucine amino acid residue is found in multiple mammalian species, which suggests that this missense change does not adversely affect protein function. In summary, the available evidence is currently insufficient to determine the role of this variant in disease. Therefore, it has been classified as a Variant of Uncertain Significance.

Breakthrough Genomics
Classification: Uncertain significance. Review status: criteria provided, single submitter. Criteria: ACMG Guidelines, 2015. Collection method: not provided. Allele origin: germline. Inheritance: Autosomal dominant inheritance. Affected: yes.

NM_000211.5(ITGB2):c.740C>T (p.Pro247Leu)

Gene: ITGB2 (integrin subunit beta 2; minus strand). Cytogenetic location: 21q22.3.
Variant type: single nucleotide variant.
Coding change: c.740C>T on transcript NM_000211.5 (MANE Select); coding-DNA position 740, C replaced by T.
Protein change: p.Pro247Leu; replaces proline 247 with leucine.
Molecular consequence: missense variant.
Genome position (GRCh38, 1-based): chr21:44,901,493, G>A on the plus strand (C>T on the coding strand, the complement: ITGB2 is on the minus strand). VCF-style: chr21-44901493-G-A. GRCh37 (hg19) VCF-style: chr21-46321408-G-A.
Other names: c.740C>T, p.Pro247Leu (NM_001127491.3); c.533C>T, p.Pro178Leu (NM_001303238.2); c.740C>T (NM_000211.3); short protein forms P247L, P178L.
Identifiers: ClinVar variation 840241 (VCV000840241.9), dbSNP rs772666841, ClinGen allele CA10063122.